The following is an entry in ClinVar:

ClinVar aggregate classification (germline): Uncertain significance (1 of 4 stars; one submission).

gnomAD v4.1: 8 of 1,601,642 alleles (0.0005%); highest among the groups gnomAD compares: African/African-American, 0.0054%; no homozygotes.

Submission:

GeneDx
Classification: Uncertain significance. Last evaluated: 2024-08-08. Review status: criteria provided, single submitter. Criteria: GeneDx Variant Classification Process June 2021. Collection method: clinical testing. Allele origin: germline. Affected: yes.
Comment: In silico analysis indicates that this missense variant does not alter protein structure/function; Has not been previously published as pathogenic or benign to our knowledge

NM_001367479.1(DNAH14):c.50A>G (p.Asp17Gly)

Gene: DNAH14 (dynein axonemal heavy chain 14; plus strand). Cytogenetic location: 1q42.12.
Variant type: single nucleotide variant.
Coding change: c.50A>G on transcript NM_001367479.1 (MANE Select); coding-DNA position 50, A replaced by G.
Protein change: p.Asp17Gly; replaces aspartic acid 17 with glycine.
Molecular consequence: missense variant.
Genome position (GRCh38, 1-based): chr1:224,952,752, A>G. VCF-style: chr1-224952752-A-G. GRCh37 (hg19) VCF-style: chr1-225140454-A-G.
Other names: NM_001373.1:c.50A>G; c.50A>G, p.Asp17Gly (NM_001145154.3, NM_001349911.2, NM_001349912.2 and 2 more transcripts); short protein forms D17G.
Identifiers: ClinVar variation 3730978 (VCV003730978.1).
Genomic context (GRCh38, chr1:224,952,752, plus strand): 5'-CAGAAAAACATATGGAGACGTTTATACCCATTGATTTGACAACTGAAAATCAAGAGATGG[A>G]CAAGGAGGAAACCAAGACAAAACCAAGGTAAAAGTAAGATAAAATATAATGAGTTTTTTT-3'
Protein context (NP_001354408.1, residues 7-27): IDLTTENQEM[Asp17Gly]KEETKTKPRL